The following is an entry in ClinVar:

NM_005883.3(APC2):c.1436C>T (p.Ala479Val)

Gene: APC2 (APC regulator of WNT signaling pathway 2; plus strand). Cytogenetic location: 19p13.3.
Variant type: single nucleotide variant.
Coding change: c.1436C>T on transcript NM_005883.3 (MANE Select); coding-DNA position 1436, C replaced by T.
Protein change: p.Ala479Val; replaces alanine 479 with valine.
Molecular consequence: missense variant.
Genome position (GRCh38, 1-based): chr19:1,460,313, C>T. VCF-style: chr19-1460313-C-T. GRCh37 (hg19) VCF-style: chr19-1460312-C-T.
Other names: c.1433C>T, p.Ala478Val (NM_001351273.1); short protein forms A478V, A479V.
Identifiers: ClinVar variation 1809952 (VCV001809952.4), dbSNP rs765541294, ClinGen allele CA9045065.

ClinVar aggregate classification (germline): Uncertain significance. Review status: criteria provided, multiple submitters, no conflicts (2 of 4 stars). 2 submissions from 2 submitters: Uncertain significance (2). Last evaluated 2022-06-27.

Conditions:
Inborn genetic diseases. Identifiers: MedGen C0950123, MeSH D030342.

Allele frequency attached by ClinVar (database versions not stated): gnomAD exomes 0.00001; TOPMed 0.00002; ExAC 0.00010.
gnomAD v4.1: 20 of 1,613,430 alleles (0.0012%); highest among the groups gnomAD compares: Admixed American, 0.023%; no homozygotes.

Submissions (2):

GeneDx
Classification: Uncertain significance. Last evaluated: 2022-06-27. Review status: criteria provided, single submitter. Criteria: GeneDx Variant Classification Process June 2021. Collection method: clinical testing. Allele origin: germline. Affected: yes.
Comment: In silico analysis supports that this missense variant does not alter protein structure/function; Has not been previously published as pathogenic or benign to our knowledge

Ambry Genetics
Classification: Uncertain significance for Inborn genetic diseases. Last evaluated: 2021-03-26. Review status: criteria provided, single submitter. Criteria: Ambry Variant Classification Scheme 2023. Collection method: clinical testing. Allele origin: germline.
Comment: The c.1436C>T (p.A479V) alteration is located in exon 11 (coding exon 10) of the APC2 gene. This alteration results from a C to T substitution at nucleotide position 1436, causing the alanine (A) at amino acid position 479 to be replaced by a valine (V). The p.A479V alteration is predicted to be tolerated by in silico analysis. Based on insufficient or conflicting evidence, the clinical significance of this alteration remains unclear.